The following is an entry in ClinVar:

ClinVar aggregate classification (germline): Pathogenic (1 of 4 stars; one submission).

Submission:

Labcorp Genetics (formerly Invitae), Labcorp
Classification: Pathogenic. Last evaluated: 2023-01-07. Review status: criteria provided, single submitter. Criteria: Invitae Variant Classification Sherloc (09022015). Collection method: clinical testing. Allele origin: germline.
Comment: For these reasons, this variant has been classified as Pathogenic. This variant has not been reported in the literature in individuals affected with XPC-related conditions. This variant is not present in population databases (gnomAD no frequency). This sequence change creates a premature translational stop signal (p.Ala239Glufs*16) in the XPC gene. It is expected to result in an absent or disrupted protein product. Loss-of-function variants in XPC are known to be pathogenic (PMID: 23173980, 25256075).

Literature cited by the submitters: PubMed 23173980; PubMed 25256075.

NM_004628.5(XPC):c.716_728del (p.Ala239fs)

Gene: XPC (XPC complex subunit, DNA damage recognition and repair factor; minus strand). Cytogenetic location: 3p25.1.
Variant type: Deletion.
Coding change: c.716_728del on transcript NM_004628.5 (MANE Select); coding-DNA positions 716 to 728, 13 bases deleted (CCCGCTTTACCAG).
Protein change: p.Ala239fs; shifts the reading frame from alanine 239.
Molecular consequence: frameshift variant. On other transcripts: non-coding transcript variant (2).
Genome position (GRCh38, 1-based): chr3:14,165,479-14,165,491, CTGGTAAAGCGGG deleted on the plus strand (CCCGCTTTACCAG on the coding strand, the reverse complement: XPC is on the minus strand); deleting any 13 consecutive bases within chr3:14,165,479-14,165,495 gives the same sequence; the c. name uses the placement nearest the transcript's 3' end. VCF-style (leftmost placement, unchanged base first): chr3-14165478-TCTGGTAAAGCGGG-T. GRCh37 (hg19) VCF-style: chr3-14206978-TCTGGTAAAGCGGG-T.
Other names: c.137_149del, p.Ala46fs (NM_001354726.2); c.716_728del, p.Ala239fs (NM_001354727.2, NM_001354730.2); c.698_710del, p.Ala233fs (NM_001354729.2); short protein forms A239fs, A46fs, A233fs.
Identifiers: ClinVar variation 2867855 (VCV002867855.3), dbSNP rs1322986343, ClinGen allele CA899803047.
Genomic context (GRCh38, chr3:14,165,478, plus strand): 5'-AGGGCCTTACCACTTCACCAGGTTTGAGAGGTAGTAGGTGTCCACATCTCGAGGCAGCAC[TCTGGTAAAGCGGG>T]CTGGGATGATGGACAGGCCAATAGCATGCAGATCTGGCTGGCTGCAGATGTTATTTCGAT-3'